The following is an entry in ClinVar:

ClinVar aggregate classification (germline): Uncertain significance (1 of 4 stars; one submission).

Conditions:
Hereditary cancer-predisposing syndrome. Also called: Neoplastic Syndromes, Hereditary; Tumor predisposition; Hereditary Cancer Syndrome; Hereditary neoplastic syndrome. Identifiers: Orphanet 140162, MedGen C0027672, MeSH D009386, MONDO:0015356.

Allele frequency attached by ClinVar (database versions not stated): gnomAD exomes below 0.00001; ExAC 0.00001.

Submission:

Color Diagnostics, LLC DBA Color Health
Classification: Uncertain significance for Hereditary cancer-predisposing syndrome. Last evaluated: 2024-03-06. Review status: criteria provided, single submitter. Criteria: ACMG Guidelines, 2015. Collection method: clinical testing. Allele origin: germline.
Comment: This missense variant replaces alanine with glutamic acid at codon 920 of the ATM protein. Computational prediction is inconclusive regarding the impact of this variant on protein structure and function (internally defined REVEL score threshold 0.5 < inconclusive < 0.7, PMID: 27666373). Splice site prediction tools suggest that this variant may not impact RNA splicing. To our knowledge, functional studies have not been reported for this variant. This variant has not been reported in individuals affected with hereditary cancer in the literature. This variant has been identified in 1/251432 chromosomes in the general population by the Genome Aggregation Database (gnomAD). The available evidence is insufficient to determine the role of this variant in disease conclusively. Therefore, this variant is classified as a Variant of Uncertain Significance.

NM_000051.4(ATM):c.2759C>A (p.Ala920Glu)

Gene: ATM (ATM serine/threonine kinase; plus strand). Cytogenetic location: 11q22.3.
Variant type: single nucleotide variant.
Coding change: c.2759C>A on transcript NM_000051.4 (MANE Select); coding-DNA position 2759, C replaced by A.
Protein change: p.Ala920Glu; replaces alanine 920 with glutamic acid.
Molecular consequence: missense variant.
Genome position (GRCh38, 1-based): chr11:108,268,530, C>A. VCF-style: chr11-108268530-C-A. GRCh37 (hg19) VCF-style: chr11-108139257-C-A.
Other names: c.2759C>A, p.Ala920Glu (NM_001351834.2); short protein forms A920E.
Identifiers: ClinVar variation 922591 (VCV000922591.4), dbSNP rs780216086, ClinGen allele CA6265108.